The following is an entry in ClinVar:

ClinVar aggregate classification (germline): Uncertain significance (1 of 4 stars; one submission).

Submission:

Labcorp Genetics (formerly Invitae), Labcorp
Classification: Uncertain significance. Last evaluated: 2024-02-07. Review status: criteria provided, single submitter. Criteria: Invitae Variant Classification Sherloc (09022015). Collection method: clinical testing. Allele origin: germline.
Comment: This sequence change replaces proline, which is neutral and non-polar, with leucine, which is neutral and non-polar, at codon 531 of the TRIM8 protein (p.Pro531Leu). This variant is not present in population databases (gnomAD no frequency). This variant has not been reported in the literature in individuals affected with TRIM8-related conditions. An algorithm developed to predict the effect of missense changes on protein structure and function (PolyPhen-2) suggests that this variant is likely to be tolerated. In summary, the available evidence is currently insufficient to determine the role of this variant in disease. Therefore, it has been classified as a Variant of Uncertain Significance.

NM_030912.3(TRIM8):c.1592C>T (p.Pro531Leu)

Gene: TRIM8 (tripartite motif containing 8; plus strand). Cytogenetic location: 10q24.32.
Variant type: single nucleotide variant.
Coding change: c.1592C>T on transcript NM_030912.3 (MANE Select); coding-DNA position 1592, C replaced by T.
Protein change: p.Pro531Leu; replaces proline 531 with leucine.
Molecular consequence: missense variant. On other transcripts: non-coding transcript variant (1).
Genome position (GRCh38, 1-based): chr10:102,657,290, C>T. VCF-style: chr10-102657290-C-T. GRCh37 (hg19) VCF-style: chr10-104417047-C-T.
Other names: c.1496C>T, p.Pro499Leu (NM_001345950.1); short protein forms P499L, P531L.
Identifiers: ClinVar variation 3630714 (VCV003630714.2).
Genomic context (GRCh38, chr10:102,657,290, plus strand): 5'-CCGTCCCCCAGTCCCTTCCCAGCCTGGCGGTCAGAGACTGGCTTGACGCCTCCCAGCAGC[C>T]CGGCCACCAGGATTTCTACAGGGTGTATGGGCAGCCGTCCACCAAACACTACGTGACGAG-3'
Protein context (NP_112174.2, residues 521-541): VRDWLDASQQ[Pro531Leu]GHQDFYRVYG